The following is an entry in ClinVar:

ClinVar aggregate classification (germline): Uncertain significance. Review status: criteria provided, multiple submitters, no conflicts (2 of 4 stars). 2 submissions from 2 submitters: Uncertain significance (2). Last evaluated 2025-08-30.

Conditions:
Peroxisome biogenesis disorder 11A (Zellweger). Also called: Peroxisome biogenesis disorder 11A. Identifiers: Orphanet 912, MedGen C3554000, MONDO:0013949, OMIM 614883.
Inborn genetic diseases. Identifiers: MedGen C0950123, MeSH D030342.

Allele frequency attached by ClinVar (database versions not stated): gnomAD exomes 0.00001 and 0.00002; gnomAD 0.00003 and 0.00004.

Submissions (2):

Ambry Genetics
Classification: Uncertain significance for Inborn genetic diseases. Last evaluated: 2025-08-30. Review status: criteria provided, single submitter. Criteria: Ambry Variant Classification Scheme 2023. Collection method: clinical testing. Allele origin: germline.

Labcorp Genetics (formerly Invitae), Labcorp
Classification: Uncertain significance for Peroxisome biogenesis disorder 11A (Zellweger). Last evaluated: 2021-10-07. Review status: criteria provided, single submitter. Criteria: Invitae Variant Classification Sherloc (09022015). Collection method: clinical testing. Allele origin: germline.
Comment: This sequence change replaces methionine with isoleucine at codon 145 of the PEX13 protein (p.Met145Ile). The methionine residue is moderately conserved and there is a small physicochemical difference between methionine and isoleucine. This variant is not present in population databases (ExAC no frequency). This variant has not been reported in the literature in individuals affected with PEX13-related conditions. Algorithms developed to predict the effect of missense changes on protein structure and function are either unavailable or do not agree on the potential impact of this missense change (SIFT: "Tolerated"; PolyPhen-2: "Possibly Damaging"; Align-GVGD: "Class C0"). In summary, the available evidence is currently insufficient to determine the role of this variant in disease. Therefore, it has been classified as a Variant of Uncertain Significance.

NM_002618.4(PEX13):c.435G>A (p.Met145Ile)

Gene: PEX13 (peroxisomal biogenesis factor 13; plus strand). Cytogenetic location: 2p15.
Variant type: single nucleotide variant.
Coding change: c.435G>A on transcript NM_002618.4 (MANE Select); coding-DNA position 435, G replaced by A.
Protein change: p.Met145Ile; replaces methionine 145 with isoleucine.
Molecular consequence: missense variant.
Genome position (GRCh38, 1-based): chr2:61,031,761, G>A. VCF-style: chr2-61031761-G-A. GRCh37 (hg19) VCF-style: chr2-61258896-G-A.
Other names: c.435G>A (NM_002618.3); short protein forms M145I.
Identifiers: ClinVar variation 1358780 (VCV001358780.4), dbSNP rs1345774394, ClinGen allele CA346942687.
Genomic context (GRCh38, chr2:61,031,761, plus strand): 5'-CAGCAGGGGTGCATTTCAGTCCATTGAAAGTATTGTGCATGCATTTGCCTCTGTCAGTAT[G>A]ATGATGGATGCTACCTTTTCAGCTGTCTATAACAGTTTCAGGGCTGTATTGGATGTAGCA-3'
Protein context (NP_002609.1, residues 135-155): SIVHAFASVS[Met145Ile]MMDATFSAVY